The following is an entry in ClinVar:

NM_001267550.2(TTN):c.14304C>T (p.Gly4768=)

Gene: TTN (titin; minus strand). Cytogenetic location: 2q31.2.
Variant type: single nucleotide variant.
Coding change: c.14304C>T on transcript NM_001267550.2 (MANE Select); coding-DNA position 14304, C replaced by T.
Protein change: p.Gly4768=; no amino-acid change (glycine 4768 retained).
Molecular consequence: synonymous variant.
Genome position (GRCh38, 1-based): chr2:178,738,149, G>A on the plus strand (C>T on the coding strand, the complement: TTN is on the minus strand). VCF-style: chr2-178738149-G-A. GRCh37 (hg19) VCF-style: chr2-179602876-G-A.
Other names: c.13353C>T, p.Gly4451= (NM_001256850.1); c.13215C>T, p.Gly4405= (NM_003319.4); c.10572C>T, p.Gly3524= (NM_133378.4); c.13590C>T, p.Gly4530= (NM_133432.3); c.13791C>T, p.Gly4597= (NM_133437.4).
Identifiers: ClinVar variation 1769913 (VCV001769913.4), dbSNP rs1287135223, ClinGen allele CA430294966.

ClinVar aggregate classification (germline): Uncertain significance. Review status: criteria provided, multiple submitters, no conflicts (2 of 4 stars). 3 submissions from 3 submitters: Uncertain significance (3). Last evaluated 2026-01-05.

Conditions:
Cardiovascular phenotype. Identifiers: MedGen CN230736.
TTN-related disorder. Also called: TTN-related disorders; TTN-related condition; TTN-related disease.
Dilated cardiomyopathy 1G (CMD1G). Identifiers: Orphanet 154, MedGen C1858763, MONDO:0011400, OMIM 604145.

Allele frequency attached by ClinVar (database versions not stated): TOPMed below 0.00001; gnomAD 0.00001; gnomAD exomes 0.00001.
gnomAD v4.1: 9 of 1,613,642 alleles (0.00056%); highest among the groups gnomAD compares: African/African-American, 0.0013%; no homozygotes.

Submissions (3):

PreventionGenetics, part of Exact Sciences
Classification: Uncertain significance for TTN-related condition. Last evaluated: 2026-01-05. Review status: criteria provided, single submitter. Criteria: ACMG Guidelines, 2015. Collection method: clinical testing. Allele origin: germline.
Comment: The TTN c.14304C>T variant is not predicted to result in an amino acid change (p.=). This variant is predicted to alter splicing based on available splicing prediction programs (SpliceAI, Jaganathan et al. 2019. PubMed ID: 30661751). This variant has been reported in an individual with dilated cardiomyopathy; however, this individual also inherited a TTN nonsense variant in the A-band region from the affected mother (Meyer et al. 2024. PubMed ID: 38050027). This variant has also been reported in an unrelated individual with dilated cardiomyopathy, and a minigene assay suggested that this variant causes the activation of a cryptic splice donor and results in an inframe deletion of 23 amino acids (Table S5, Chang et al. 2025. PubMed ID: 41175027). This variant is reported in 0.0033% of alleles in individuals of South Asian descent in gnomAD. At this time, the clinical significance of this variant is uncertain due to the absence of conclusive functional and genetic evidence.

Ambry Genetics
Classification: Uncertain significance for Cardiovascular phenotype. Last evaluated: 2024-03-05. Review status: criteria provided, single submitter. Criteria: Ambry Variant Classification Scheme 2023. Collection method: clinical testing. Allele origin: germline.
Comment: The c.13215C>T variant (also known as p.G4405G), located in coding exon 45 of the TTN gene, results from a C to T substitution at nucleotide position 13215. This nucleotide substitution does not change the glycine at codon 4405. This nucleotide position is not well conserved in available vertebrate species. In silico splice site analysis predicts that this alteration will result in the creation or strengthening of a novel splice donor site. Based on the available evidence, the clinical significance of this alteration remains unclear.

Victorian Clinical Genetics Services, Murdoch Childrens Research Institute
Classification: Uncertain significance for Dilated cardiomyopathy 1G. Last evaluated: 2022-06-24. Review status: criteria provided, single submitter. Criteria: ACMG Guidelines, 2015. Collection method: clinical testing. Allele origin: germline. Inheritance: Autosomal dominant inheritance.
Comment: Based on the classification scheme VCGS_Germline_v1.3.4, this variant is classified as VUS-3A. Following criteria are met: 0102 - Loss of function is known mechanism of disease in this gene. In addition, dominant-negative is also a suggested mechanism. (PMID: 25589632). (I) 0108 - This gene is associated with both recessive and dominant disease (OMIM). (I) 0112 - The condition associated with this gene has incomplete penetrance. Variants in this gene that result in a premature truncating codon (PTC) are known to have reduced penetrance in DCM (PMID: 25589632). (I) 0210 - Splice site variant proven to affect splicing of the transcript with a known effect on protein sequence. This variant results in the formation of a donor site, and the inframe loss of the last 23 amino acids (p.Gly4768_Thr4790del) of exon 49 (Diane Fatkin, Victor Chang Institute). (SP) 0251 - This variant is heterozygous. (I) 0302 - Variant is present in gnomAD (v2, v3) <0.001 for a dominant condition (2 heterozygotes, 0 homozygotes). (SP) 0600 - Variant is located in the annotated N-terminal I-band and the exon has a PSI score of 100 (PMID: 25589632). (I) 0705 - No comparable variants have previous evidence for pathogenicity. (I) 0809 - Previous evidence of pathogenicity for this variant is inconclusive. The variant is present in LOVD as a VUS. (I) 0905 - No published segregation evidence has been identified for this variant. (I) 1007 - No published functional evidence has been identified for this variant. (I) 1208 - Inheritance information for this variant is not currently available in this individual. (I) Legend: (SP) - Supporting pathogenic, (I) - Information, (SB) - Supporting benign

Literature cited by the submitters: PubMed 25589632 (cited by Victorian Clinical Genetics Services, Murdoch Childrens Research Institute).